The following is an entry in ClinVar:

NM_016122.3(CEP83):c.1819G>A (p.Val607Ile)

Gene: CEP83 (centrosomal protein 83; minus strand). Cytogenetic location: 12q22.
Variant type: single nucleotide variant.
Coding change: c.1819G>A on transcript NM_016122.3 (MANE Select); coding-DNA position 1819, G replaced by A.
Protein change: p.Val607Ile; replaces valine 607 with isoleucine.
Molecular consequence: missense variant. On other transcripts: non-coding transcript variant (2).
Genome position (GRCh38, 1-based): chr12:94,310,100, C>T on the plus strand (G>A on the coding strand, the complement: CEP83 is on the minus strand). VCF-style: chr12-94310100-C-T. GRCh37 (hg19) VCF-style: chr12-94703876-C-T.
Other names: c.1594G>A, p.Val532Ile (NM_001368041.1); c.1819G>A (NM_016122.2); c.1819G>A, p.Val607Ile (NM_001042399.2, NM_001346457.2, NM_001368037.1 and 1 more transcripts); c.1507G>A, p.Val503Ile (NM_001346458.2, NM_001346459.2, NM_001368039.1 and 1 more transcripts); short protein forms V503I, V532I, V607I.
Identifiers: ClinVar variation 1024951 (VCV001024951.8), dbSNP rs750912882, ClinGen allele CA6721536.

ClinVar aggregate classification (germline): Uncertain significance. Review status: criteria provided, multiple submitters, no conflicts (2 of 4 stars). 3 submissions from 3 submitters: Uncertain significance (3). Last evaluated 2024-11-05.

Conditions:
Inborn genetic diseases. Identifiers: MedGen C0950123, MeSH D030342.
Nephronophthisis 18 (NPHP18). Identifiers: Orphanet 655, MedGen C3890591, MONDO:0014374, OMIM 615862.

Allele frequency attached by ClinVar (database versions not stated): gnomAD 0.00002 and 0.00003; ExAC 0.00005; gnomAD exomes 0.00007; TOPMed 0.00008.
gnomAD v4.1: 29 of 1,529,472 alleles (0.0019%); highest among the groups gnomAD compares: Admixed American, 0.038%; no homozygotes.

Submissions (3):

Labcorp Genetics (formerly Invitae), Labcorp
Classification: Uncertain significance for Nephronophthisis 18. Last evaluated: 2024-11-05. Review status: criteria provided, single submitter. Criteria: Invitae Variant Classification Sherloc (09022015). Collection method: clinical testing. Allele origin: germline.
Comment: This sequence change replaces valine, which is neutral and non-polar, with isoleucine, which is neutral and non-polar, at codon 607 of the CEP83 protein (p.Val607Ile). This variant is present in population databases (rs750912882, gnomAD 0.04%). This variant has not been reported in the literature in individuals affected with CEP83-related conditions. ClinVar contains an entry for this variant (Variation ID: 1024951). Invitae Evidence Modeling of protein sequence and biophysical properties (such as structural, functional, and spatial information, amino acid conservation, physicochemical variation, residue mobility, and thermodynamic stability) indicates that this missense variant is not expected to disrupt CEP83 protein function with a negative predictive value of 80%. In summary, the available evidence is currently insufficient to determine the role of this variant in disease. Therefore, it has been classified as a Variant of Uncertain Significance.

Ambry Genetics
Classification: Uncertain significance for Inborn genetic diseases. Last evaluated: 2023-02-15. Review status: criteria provided, single submitter. Criteria: Ambry Variant Classification Scheme 2023. Collection method: clinical testing. Allele origin: germline.

GeneDx
Classification: Uncertain significance. Last evaluated: 2022-08-19. Review status: criteria provided, single submitter. Criteria: GeneDx Variant Classification Process June 2021. Collection method: clinical testing. Allele origin: germline. Affected: yes.
Comment: In silico analysis supports that this missense variant does not alter protein structure/function; Has not been previously published as pathogenic or benign to our knowledge